The following is an entry in ClinVar:

NM_000548.5(TSC2):c.2640-4T>C

Gene: TSC2 (TSC complex subunit 2; plus strand). Cytogenetic location: 16p13.3.
Variant type: single nucleotide variant.
Coding change: c.2640-4T>C on transcript NM_000548.5 (MANE Select); 4 bases into the intron before coding-DNA position 2640, T replaced by C.
Molecular consequence: intron variant.
Genome position (GRCh38, 1-based): chr16:2,076,064, T>C. VCF-style: chr16-2076064-T-C. GRCh37 (hg19) VCF-style: chr16-2126065-T-C.
Other names: c.2640-4T>C (NM_001114382.3, NM_021055.3, NM_001370405.1 and 3 more transcripts); c.2529-4T>C (NM_001318827.2); c.2040-4T>C (NM_001318831.2); c.2493-4T>C (NM_001318829.2); c.2673-4T>C (NM_001318832.2).
Identifiers: ClinVar variation 757048 (VCV000757048.19), dbSNP rs1596366489, ClinGen allele CA915946281.
Genomic context (GRCh38, chr16:2,076,064, plus strand): 5'-ACTTCATGCCCTGGGGATGTTTCCCTGCTGCCAGGATGGAGTGCCAGCCCCCTTCTCATC[T>C]CAGGTTTAATCAGTACATCGTGTGTCTGGCCCATCACGTCATAGCCATGTGGTTCATCAG-3'

ClinVar aggregate classification (germline): Conflicting classifications of pathogenicity. Review status: criteria provided, conflicting classifications (1 of 4 stars). 6 submissions from 6 submitters: Uncertain significance (1); Likely benign (5). Last evaluated 2026-01-06.

Conditions:
Tuberous sclerosis syndrome (TSC). Also called: Tuberous Sclerosis Complex; Tuberous sclerosis. Identifiers: Orphanet 805, MedGen C0041341, MONDO:0001734.
Tuberous sclerosis 2 (TSC2). Identifiers: Orphanet 805, MedGen C1860707, MONDO:0013199, OMIM 613254.
Hereditary cancer-predisposing syndrome. Also called: Tumor predisposition; Hereditary Cancer Syndrome; Neoplastic Syndromes, Hereditary; Hereditary neoplastic syndrome. Identifiers: Orphanet 140162, MedGen C0027672, MeSH D009386, MONDO:0015356.

Submissions (6):

Labcorp Genetics (formerly Invitae), Labcorp
Classification: Likely benign for Tuberous sclerosis 2. Last evaluated: 2026-01-06. Review status: criteria provided, single submitter. Criteria: Invitae Variant Classification Sherloc (09022015). Collection method: clinical testing. Allele origin: germline.

Color Diagnostics, LLC DBA Color Health
Classification: Likely benign for Tuberous sclerosis syndrome. Last evaluated: 2025-08-04. Review status: criteria provided, single submitter. Criteria: ACMG Guidelines, 2015. Collection method: clinical testing. Allele origin: germline.

Myriad Genetics, Inc.
Classification: Likely benign for Tuberous sclerosis 2. Last evaluated: 2025-05-21. Review status: criteria provided, single submitter. Criteria: Myriad Autosomal Dominant, Autosomal Recessive and X-Linked Classification Criteria (2023). Collection method: clinical testing. Allele origin: unknown.
Comment: This variant is considered likely benign. This variant is intronic and is not expected to impact mRNA splicing.

Ambry Genetics
Classification: Likely benign for Hereditary cancer-predisposing syndrome. Last evaluated: 2023-10-27. Review status: criteria provided, single submitter. Criteria: Ambry Variant Classification Scheme 2023. Collection method: clinical testing. Allele origin: germline.

All of Us Research Program, National Institutes of Health
Classification: Uncertain significance for Tuberous sclerosis syndrome. Last evaluated: 2023-10-02. Review status: criteria provided, single submitter. Criteria: ACMG Guidelines, 2015. Collection method: clinical testing. Allele origin: germline. Inheritance: Autosomal dominant inheritance. Observed: 2 variant alleles, 2 heterozygotes.
Comment: This variant causes a T to C nucleotide substitution at the -4 position of intron 23 of the TSC2 gene. To our knowledge, functional studies have not been reported for this variant. This variant has not been reported in individuals affected with TSC2-related disorders in the literature. This variant has not been identified in the general population by the Genome Aggregation Database (gnomAD). The available evidence is insufficient to determine the role of this variant in disease conclusively. Therefore, this variant is classified as a Variant of Uncertain Significance.

This study involves interpretation of variants in research participants for the purpose of population health screening. Participant phenotype was not available at the time of variant classification. Additional details can be found in publication PMID: 35346344, PMCID: PMC8962531

Genome-Nilou Lab
Classification: Likely benign for Tuberous sclerosis 2. Last evaluated: 2021-11-07. Review status: criteria provided, single submitter. Criteria: ACMG Guidelines, 2015. Collection method: clinical testing. Allele origin: germline. Affected: no.